The following is an entry in ClinVar:

NM_001231.5(CASQ1):c.1160C>A (p.Thr387Lys)

Gene: CASQ1 (calsequestrin 1; plus strand). Cytogenetic location: 1q23.2.
Variant type: single nucleotide variant.
Coding change: c.1160C>A on transcript NM_001231.5 (MANE Select); coding-DNA position 1160, C replaced by A.
Protein change: p.Thr387Lys; replaces threonine 387 with lysine.
Molecular consequence: missense variant.
Genome position (GRCh38, 1-based): chr1:160,201,345, C>A. VCF-style: chr1-160201345-C-A. GRCh37 (hg19) VCF-style: chr1-160171135-C-A.
Other names: short protein forms T387K.
Identifiers: ClinVar variation 4743540 (VCV004743540.1).
Genomic context (GRCh38, chr1:160,201,345, plus strand): 5'-TGCCTTCTGCTGAGGAGCTGGAGGACTGGCTGGAGGATGTCCTGGAGGGCGAGATCAACA[C>A]AGAGGACGATGACGATGATGATGATGACTAGTTGCTATGGCAACCATCTTTCAGCCCCAC-3'
Protein context (NP_001222.3, residues 377-396): LEDVLEGEIN[Thr387Lys]EDDDDDDDD

ClinVar aggregate classification (germline): Uncertain significance (1 of 4 stars; one submission).

Submission:

Labcorp Genetics (formerly Invitae), Labcorp
Classification: Uncertain significance. Last evaluated: 2025-07-23. Review status: criteria provided, single submitter. Criteria: Invitae Variant Classification Sherloc (09022015). Collection method: clinical testing. Allele origin: germline.
Comment: This sequence change replaces threonine, which is neutral and polar, with lysine, which is basic and polar, at codon 387 of the CASQ1 protein (p.Thr387Lys). This variant is not present in population databases (gnomAD no frequency). This variant has not been reported in the literature in individuals affected with CASQ1-related conditions. Invitae Evidence Modeling of protein sequence and biophysical properties (such as structural, functional, and spatial information, amino acid conservation, physicochemical variation, residue mobility, and thermodynamic stability) indicates that this missense variant is not expected to disrupt CASQ1 protein function with a negative predictive value of 80%. In summary, the available evidence is currently insufficient to determine the role of this variant in disease. Therefore, it has been classified as a Variant of Uncertain Significance.